The following is an entry in ClinVar:

NM_199355.4(ADAMTS18):c.1079A>G (p.His360Arg)

Gene: ADAMTS18 (ADAM metallopeptidase with thrombospondin type 1 motif 18; minus strand). Cytogenetic location: 16q23.1.
Variant type: single nucleotide variant.
Coding change: c.1079A>G on transcript NM_199355.4 (MANE Select); coding-DNA position 1079, A replaced by G.
Protein change: p.His360Arg; replaces histidine 360 with arginine.
Molecular consequence: missense variant.
Genome position (GRCh38, 1-based): chr16:77,362,242, T>C on the plus strand (A>G on the coding strand, the complement: ADAMTS18 is on the minus strand). VCF-style: chr16-77362242-T-C. GRCh37 (hg19) VCF-style: chr16-77396139-T-C.
Other names: c.563A>G, p.His188Arg (NM_001326358.2); short protein forms H360R, H188R.
Identifiers: ClinVar variation 1464676 (VCV001464676.8), dbSNP rs765238691, ClinGen allele CA8181440.

ClinVar aggregate classification (germline): Uncertain significance (1 of 4 stars; one submission).

Allele frequency attached by ClinVar (database versions not stated): gnomAD exomes below 0.00001 and 0.00001; ExAC 0.00001; gnomAD 0.00001; TOPMed 0.00002.
gnomAD v4.1: 9 of 1,614,052 alleles (0.00056%); highest among the groups gnomAD compares: Admixed American, 0.0017%; no homozygotes.

Submission:

Labcorp Genetics (formerly Invitae), Labcorp
Classification: Uncertain significance. Last evaluated: 2022-08-22. Review status: criteria provided, single submitter. Criteria: Invitae Variant Classification Sherloc (09022015). Collection method: clinical testing. Allele origin: germline.
Comment: This variant has not been reported in the literature in individuals affected with ADAMTS18-related conditions. ClinVar contains an entry for this variant (Variation ID: 1464676). Algorithms developed to predict the effect of missense changes on protein structure and function are either unavailable or do not agree on the potential impact of this missense change (SIFT: "Not Available"; PolyPhen-2: "Probably Damaging"; Align-GVGD: "Not Available"). In summary, the available evidence is currently insufficient to determine the role of this variant in disease. Therefore, it has been classified as a Variant of Uncertain Significance. This variant is present in population databases (rs765238691, gnomAD 0.0009%). This sequence change replaces histidine, which is basic and polar, with arginine, which is basic and polar, at codon 360 of the ADAMTS18 protein (p.His360Arg).